The following is an entry in ClinVar:

NM_014159.7(SETD2):c.4612T>A (p.Tyr1538Asn)

Gene: SETD2 (SET domain containing 2, histone lysine methyltransferase; minus strand). Cytogenetic location: 3p21.31.
Variant type: single nucleotide variant.
Coding change: c.4612T>A on transcript NM_014159.7 (MANE Select); coding-DNA position 4612, T replaced by A.
Protein change: p.Tyr1538Asn; replaces tyrosine 1538 with asparagine.
Molecular consequence: missense variant. On other transcripts: non-coding transcript variant (1).
Genome position (GRCh38, 1-based): chr3:47,113,979, A>T on the plus strand (T>A on the coding strand, the complement: SETD2 is on the minus strand). VCF-style: chr3-47113979-A-T. GRCh37 (hg19) VCF-style: chr3-47155469-A-T.
Other names: p.Tyr1538Asn; c.4480T>A, p.Tyr1494Asn (NM_001349370.3); short protein forms Y1494N, Y1538N.
Identifiers: ClinVar variation 3024481 (VCV003024481.2), dbSNP rs2042756676, ClinGen allele CA352516005.

ClinVar aggregate classification (germline): Uncertain significance (1 of 4 stars; one submission).

Conditions:
Intellectual developmental disorder, autosomal dominant 70. Identifiers: MedGen C5774271, MONDO:0859333, OMIM 620157.

Allele frequency attached by ClinVar (database versions not stated): gnomAD exomes below 0.00001; gnomAD 0.00001.
gnomAD v4.1: 2 of 1,612,866 alleles (0.00012%); highest among the groups gnomAD compares: Admixed American, 0.0017%; no homozygotes.

Submission:

Foundation for Research in Genetics and Endocrinology, FRIGE's Institute of Human Genetics
Classification: Uncertain significance for Intellectual developmental disorder, autosomal dominant 70. Last evaluated: 2024-03-02. Review status: criteria provided, single submitter. Criteria: ACMG Guidelines, 2015. Collection method: clinical testing. Allele origin: germline. Inheritance: Autosomal dominant inheritance. Affected: yes. Observed: 1 heterozygote.
Comment: A heterozygous missense variant in exon 5 of the SETD2 gene that results in the amino acid substitution of Asparagine for Tyrosine at codon 1538 (p.Tyr1538Asn) was detected. The p.Tyr1538Asn variant has not been reported in the 1000 genomes, gnomdAD (v2.1) and topmed databases and has a minor allele frequency of 0.00066% in the gnomAD (v3.1) databases. The in- silico prediction of the variant are damaging by SIFT and MutationTaster2. The reference codon is conserved across species. In summary, the variant meets our criteria to be classified as variant of uncertain significance.